The following continues an entry in ClinVar:

NM_001048174.2(MUTYH):c.1103G>A (p.Gly368Asp)

Gene: MUTYH. ClinVar aggregate classification (germline): Pathogenic/Likely pathogenic. Pathogenic (64); Likely pathogenic (5).

Submissions 81 to 93 of 93:

Biesecker Lab/Clinical Genomics Section, National Institutes of Health
Classification: Pathogenic for MYH-associated polyposis. Last evaluated: 2012-07-13. Review status: no assertion criteria provided. Collection method: research. Allele origin: germline. Affected: no. Observed: 4 variant alleles, 4 heterozygotes. Study: ClinSeq. Not counted in ClinVar's aggregate classification.
ClinVar note: Converted during submission from pathogenic to Pathogenic.

OMIM
Classification: Pathogenic for FAMILIAL ADENOMATOUS POLYPOSIS 2. Last evaluated: 2011-09-01. Review status: no assertion criteria provided. Collection method: literature only. Allele origin: germline. Not counted in ClinVar's aggregate classification.

OMIM
Classification: Pathogenic for ENDOMETRIAL CANCER. Last evaluated: 2011-09-01. Review status: no assertion criteria provided. Collection method: literature only. Allele origin: germline. Not counted in ClinVar's aggregate classification.

Clinical Genetics DNA and cytogenetics Diagnostics Lab, Erasmus MC, Erasmus Medical Center
Classification: Pathogenic. Review status: no assertion criteria provided. Collection method: clinical testing. Allele origin: germline. Affected: yes. Study: VKGL Data-share Consensus. Not counted in ClinVar's aggregate classification.

Clinical Genetics Laboratory, Department of Pathology, Netherlands Cancer Institute
Classification: Pathogenic. Review status: no assertion criteria provided. Collection method: clinical testing. Allele origin: germline. Affected: yes. Study: VKGL Data-share Consensus. Not counted in ClinVar's aggregate classification.

Clinical Genetics, Academic Medical Center
Classification: Pathogenic. Review status: no assertion criteria provided. Collection method: clinical testing. Allele origin: germline. Affected: yes. Study: VKGL Data-share Consensus. Not counted in ClinVar's aggregate classification.

Department of Pathology and Laboratory Medicine, Sinai Health System
Classification: Pathogenic for Carcinoma of colon. Review status: no assertion criteria provided. Collection method: clinical testing. Allele origin: unknown. Affected: yes. Observed: 24 variant alleles. Study: The Canadian Open Genetics Repository (COGR). Not counted in ClinVar's aggregate classification.
Comment: The p.Gly396Asp variant was identified in 102 of 1112 proband chromosomes (frequency: 0.092) from individuals or families with colorectal cancer or MUTYH-associated polyposis, and was not identified in 264 control chromosomes from healthy individuals (Eliason 2006, Nielsen 2009, Sieber 2003). The p.Gly396Asp variant was also identified by our laboratory in 22 individuals with colorectal cancer or polyposis. The p.Gly396Asp variant was identified in dbSNP (ID:rs36053993 ) â€šÃ„ÃºWith pathogenic alleleâ€šÃ„Ã¹, with a minor allele frequency of 0.004 (1000 Genomes Project ), NHLBI Exome Sequencing Project (Exome Variant Server) in 50 of 13006 alleles (frequency: 0.004), HGMD, the â€šÃ„ÃºInSiGHT Colon Cancer Databaseâ€šÃ„Ã¹, and UMD (518X as a causal variant; co-occurring with 14 different pathogenic variants). The p.Gly396Asp variant was classified as a pathogenic variant by multiple submitters to the ClinVar database, including OMIM, GeneReviews, and Emory Genetics. The p.Gly396Asp variant occurs in the first base of the exon. This position has been shown to be part of the splicing consensus sequence and variants involving this position sometimes affect splicing and in-silico or computational prediction software programs (SpliceSiteFinder, MaxEntScan, NNSPLICE, GeneSplicer, HumanSpliceFinder) predict a significant difference in splicing. The p.Gly396 residue is conserved across mammals and lower organisms, and computational analyses (PolyPhen-2, SIFT, AlignGVGD, BLOSUM, MutationTaster) suggest that the p.Gly396Asp variant may impact the protein. In vitro assays using synthetic DNA substrates showed that the variant protein reduced adenine removal activity as compared to the wild-type protein and was partially active in DNA binding, base excision repair (BER) and glycosylase activities (Ali 2008, D'Agostino 2010). Two bacterial or mammalian cell-based studies by Kundu (2009) and Molatare (2009) found that the glycosylase activity of the p.Gly396Asp variant did not differ significantly from wild-type; however, Kundu (2009) suggests that the activity of the variant may be more reduced in human cells. Nielsen (2009) identified that although the phenotypic effects of the variant are relatively mild, there is a significantly greater colorectal cancer hazard for patients who were compound heterozygotes for this and a variant with truncating or certain other missense mutations. In summary, based on the above information, this variant meets our laboratoryâ€šÃ„Ã´s criteria to be classified as pathogenic

Diagnostic Laboratory, Department of Genetics, University Medical Center Groningen
Classification: Pathogenic. Review status: no assertion criteria provided. Collection method: clinical testing. Allele origin: germline. Affected: yes. Study: VKGL Data-share Consensus. Not counted in ClinVar's aggregate classification.

GeneReviews
No classification provided. Condition: Familial adenomatous polyposis 2. Review status: no classification provided. Collection method: literature only. Allele origin: germline. Not counted in ClinVar's aggregate classification.
Comment: Common pathogenic variants carried by approximately 1%-2% of the general population that account for ≥90% of all MUTYH pathogenic variants in northern European populations; ≤70% of persons with MUTYH-Associated Polyposis (MAP) harbor at least 1 of these variants, 536A>G or 1187G>A

Genome Diagnostics Laboratory, Amsterdam University Medical Center
Classification: Pathogenic. Review status: no assertion criteria provided. Collection method: clinical testing. Allele origin: germline. Affected: yes. Study: VKGL Data-share Consensus. Not counted in ClinVar's aggregate classification.

Joint Genome Diagnostic Labs from Nijmegen and Maastricht, Radboudumc and MUMC+
Classification: Pathogenic. Review status: no assertion criteria provided. Collection method: clinical testing. Allele origin: germline. Affected: yes. Study: VKGL Data-share Consensus. Not counted in ClinVar's aggregate classification.

Laboratory of Diagnostic Genome Analysis, Leiden University Medical Center (LUMC)
Classification: Pathogenic. Review status: no assertion criteria provided. Collection method: clinical testing. Allele origin: germline. Affected: yes. Study: VKGL Data-share Consensus. Not counted in ClinVar's aggregate classification.

HudsonAlpha Institute for Biotechnology
Classification: Pathogenic for Familial adenomatous polyposis 2. Last evaluated: 2019-12-18. Review status: flagged submission. Criteria: ACMG Guidelines, 2015. Collection method: research. Allele origin: unknown. Inheritance: Autosomal dominant inheritance. Observed: 3 variant alleles. Not counted in ClinVar's aggregate classification.
ClinVar note: Reason: This record appears to be redundant with a more recent record from the same submitter.
ClinVar note: Notes: SCV000993433 appears to be redundant with SCV001423820.

Literature cited by the submitters: PubMed 23035301 (cited by 3 submitters); PubMed 11818965 (cited by 17 submitters); PubMed 16557584 (cited by 10 submitters); PubMed 17489848 (cited by 5 submitters); PubMed 19793053 (cited by 6 submitters); PubMed 15987719 (cited by 8 submitters); PubMed 18534194 (cited by 13 submitters); PubMed 20848659 (cited by 14 submitters); PubMed 23108399 (cited by 9 submitters); PubMed 12606733 (cited by 6 submitters); PubMed 24444654 (cited by 3 submitters); PubMed 19394335 (cited by 4 submitters); PubMed 34981295 (cited by Center for Genomic Medicine, Rigshospitalet, Copenhagen University Hospital); PubMed 15635083 (cited by 4 submitters); PubMed 19032956 (cited by 10 submitters); PubMed 23361220 (cited by 10 submitters); PubMed 25590978 (cited by 4 submitters); PubMed 26202870 (cited by Department of Clinical Genetics, Copenhagen University Hospital, Rigshospitalet and All of Us Research Program, National Institutes of Health); PubMed 27783336 (cited by 4 submitters); PubMed 28135145 (cited by 5 submitters); PubMed 29147111 (cited by 4 submitters); PubMed 19245865 (cited by 3 submitters); PubMed 19732775 (cited by 6 submitters); PubMed 30604180 (cited by Mayo Clinic Laboratories, Mayo Clinic and Quest Diagnostics Nichols Institute San Juan Capistrano); PubMed 35803914 (cited by Mayo Clinic Laboratories, Mayo Clinic); PubMed 21063410 (cited by 5 submitters); PubMed 21952991 (cited by 3 submitters); PubMed 22158503 (cited by 3 submitters); PubMed 22297469 (cited by Ambry Genetics); PubMed 22473953 (cited by 4 submitters); PubMed 22744763 (cited by 5 submitters); PubMed 22926731 (cited by 5 submitters); PubMed 23561487 (cited by Ambry Genetics); PubMed 24082139 (cited by 3 submitters); PubMed 1818965 (cited by Variantyx, Inc.); PubMed 14999774 (cited by Variantyx, Inc.); PubMed 25820570 (cited by 4 submitters); PubMed 19836313 (cited by 6 submitters); PubMed 15036665 (cited by Color Diagnostics, LLC DBA Color Health and All of Us Research Program, National Institutes of Health); PubMed 20418187 (cited by 4 submitters); PubMed 31159747 (cited by All of Us Research Program, National Institutes of Health and Diagnostics Centre, Carl Von Ossietzky University Oldenburg); PubMed 2914711 (cited by Genetics Department, Catlab); PubMed 21178863 (cited by 4 submitters); PubMed 21424714 (cited by Institute for Genomic Medicine (IGM) Clinical Laboratory, Nationwide Children's Hospital); PubMed 21171015 (cited by Dasa); PubMed 15931596 (cited by Dasa); PubMed 16492921 (cited by Sema4); PubMed 12917422 (cited by Sema4); PubMed 24278394 (cited by Women's Health and Genetics/Laboratory Corporation of America, LabCorp); PubMed 24953332 (cited by Women's Health and Genetics/Laboratory Corporation of America, LabCorp); PubMed 27829682 (cited by Women's Health and Genetics/Laboratory Corporation of America, LabCorp); PubMed 30676620 (cited by AiLife Diagnostics); PubMed 31263571 (cited by AiLife Diagnostics); PubMed 28687356 (cited by AiLife Diagnostics); PubMed 24728327 (cited by 4 submitters); PubMed 30306255 (cited by AiLife Diagnostics); PubMed 30067863 (cited by AiLife Diagnostics); PubMed 30333958 (cited by AiLife Diagnostics); PubMed 29978187 (cited by AiLife Diagnostics); PubMed 30322717 (cited by AiLife Diagnostics); PubMed 30609409 (cited by AiLife Diagnostics); PubMed 23805267 (cited by 3 submitters); PubMed 27014339 (cited by AiLife Diagnostics); PubMed 35535697 (cited by Laan Lab, Human Genetics Research Group, University of Tartu); PubMed 33384714 (cited by Diagnostics Centre, Carl Von Ossietzky University Oldenburg); PubMed 28634180 (cited by Endocrine oncology group, Uppsala University); PubMed 19998059 (cited by Donald Williams Parsons Laboratory, Baylor College of Medicine and Division of Human Genetics, Children's Hospital of Philadelphia); PubMed 19953527 (cited by 3 submitters); PubMed 23625202 (cited by Donald Williams Parsons Laboratory, Baylor College of Medicine and Division of Human Genetics, Children's Hospital of Philadelphia); PubMed 26822237 (cited by Donald Williams Parsons Laboratory, Baylor College of Medicine); PubMed 17956577 (cited by OMIM); PubMed 21815886 (cited by OMIM).